The following is an entry in ClinVar:

ClinVar aggregate classification (germline): Uncertain significance (1 of 4 stars; one submission).

Conditions:
Peroxisome biogenesis disorder 11A (Zellweger). Also called: Peroxisome biogenesis disorder 11A. Identifiers: Orphanet 912, MedGen C3554000, MONDO:0013949, OMIM 614883.

Submission:

Labcorp Genetics (formerly Invitae), Labcorp
Classification: Uncertain significance for Peroxisome biogenesis disorder 11A (Zellweger). Last evaluated: 2022-03-26. Review status: criteria provided, single submitter. Criteria: Invitae Variant Classification Sherloc (09022015). Collection method: clinical testing. Allele origin: germline.
Comment: In summary, the available evidence is currently insufficient to determine the role of this variant in disease. Therefore, it has been classified as a Variant of Uncertain Significance. This variant disrupts a region of the PEX13 protein in which other variant(s) (p.Pro327Arg) have been observed in individuals with PEX13-related conditions (PMID: 21031596). This suggests that this is a clinically significant region of the protein, and that variants that disrupt it are likely to be disease-causing. This variant has not been reported in the literature in individuals affected with PEX13-related conditions. This variant is a gross deletion of the genomic region encompassing exon(s) 2-4 of the PEX13 gene, which includes the termination codon. This deletion extends beyond the assayed region for this gene and therefore may encompass additional genes. While this deletion is not anticipated to lead to nonsense mediated decay, it is expected to alter mRNA translation or result in a truncated protein product.

Literature cited by the submitters: PubMed 21031596.

NC_000002.11:g.(?_61258534)_(61275905_?)del

Gene: PEX13 (peroxisomal biogenesis factor 13; plus strand). Cytogenetic location: 2p16.1.
Variant type: Deletion.
Identifiers: ClinVar variation 2424502 (VCV002424502.3).